The following is an entry in ClinVar:

NM_001364905.1(LRBA):c.2479C>G (p.Arg827Gly)

Gene: LRBA (LPS responsive beige-like anchor protein; minus strand). Cytogenetic location: 4q31.3.
Variant type: single nucleotide variant.
Coding change: c.2479C>G on transcript NM_001364905.1 (MANE Select); coding-DNA position 2479, C replaced by G.
Protein change: p.Arg827Gly; replaces arginine 827 with glycine.
Molecular consequence: missense variant.
Genome position (GRCh38, 1-based): chr4:150,868,276, G>C on the plus strand (C>G on the coding strand, the complement: LRBA is on the minus strand). VCF-style: chr4-150868276-G-C. GRCh37 (hg19) VCF-style: chr4-151789428-G-C.
Other names: c.2479C>G, p.Arg827Gly (NM_001199282.3, NM_001367550.1, NM_006726.5); short protein forms R827G.
Identifiers: ClinVar variation 1501827 (VCV001501827.3), dbSNP rs779575307, ClinGen allele CA358465481.

ClinVar aggregate classification (germline): Uncertain significance (1 of 4 stars; one submission).

Conditions:
Combined immunodeficiency due to LRBA deficiency. Also called: Common variable immunodeficiency 8, with autoimmunity. Identifiers: Orphanet 445018, MedGen C3553512, MONDO:0013863, OMIM 614700.

Allele frequency attached by ClinVar (database versions not stated): TOPMed below 0.00001.
gnomAD v4.1: 10 of 1,611,542 alleles (0.00062%); highest among the groups gnomAD compares: Middle Eastern, 0.017%; no homozygotes.

Submission:

Labcorp Genetics (formerly Invitae), Labcorp
Classification: Uncertain significance for Combined immunodeficiency due to LRBA deficiency. Last evaluated: 2021-11-05. Review status: criteria provided, single submitter. Criteria: Invitae Variant Classification Sherloc (09022015). Collection method: clinical testing. Allele origin: germline.
Comment: This sequence change replaces arginine, which is basic and polar, with glycine, which is neutral and non-polar, at codon 827 of the LRBA protein (p.Arg827Gly). This variant is present in population databases (no rsID available, gnomAD 0.0009%). This variant has not been reported in the literature in individuals affected with LRBA-related conditions. Algorithms developed to predict the effect of missense changes on protein structure and function are either unavailable or do not agree on the potential impact of this missense change (SIFT: "Tolerated"; PolyPhen-2: "Probably Damaging"; Align-GVGD: "Class C0"). In summary, the available evidence is currently insufficient to determine the role of this variant in disease. Therefore, it has been classified as a Variant of Uncertain Significance.